The following is an entry in ClinVar:

NM_000051.4(ATM):c.3620A>G (p.Glu1207Gly)

Gene: ATM (ATM serine/threonine kinase; plus strand). Cytogenetic location: 11q22.3.
Variant type: single nucleotide variant.
Coding change: c.3620A>G on transcript NM_000051.4 (MANE Select); coding-DNA position 3620, A replaced by G.
Protein change: p.Glu1207Gly; replaces glutamic acid 1207 with glycine.
Molecular consequence: missense variant.
Genome position (GRCh38, 1-based): chr11:108,282,753, A>G. VCF-style: chr11-108282753-A-G. GRCh37 (hg19) VCF-style: chr11-108153480-A-G.
Other names: c.3620A>G, p.Glu1207Gly (NM_001351834.2); short protein forms E1207G.
Identifiers: ClinVar variation 524236 (VCV000524236.8), dbSNP rs1555092330, ClinGen allele CA382522810.

ClinVar aggregate classification (germline): Uncertain significance (1 of 4 stars; one submission).

Conditions:
Ataxia-telangiectasia syndrome (AT). Also called: ATAXIA-TELANGIECTASIA, COMPLEMENTATION GROUP A; ATAXIA-TELANGIECTASIA, FRESNO VARIANT; Ataxia-telangiectasia; Ataxia-telangiectasia, complementation group D; AT, COMPLEMENTATION GROUP C; Ataxia-telangiectasia, complementation group E. Identifiers: Orphanet 100, MedGen C0004135, MONDO:0008840, OMIM 208900.

Submission:

Labcorp Genetics (formerly Invitae), Labcorp
Classification: Uncertain significance for Ataxia-telangiectasia syndrome. Last evaluated: 2017-08-10. Review status: criteria provided, single submitter. Criteria: Invitae Variant Classification Sherloc (09022015). Collection method: clinical testing. Allele origin: germline.
Comment: In summary, the available evidence is currently insufficient to determine the role of this variant in disease. Therefore, it has been classified as a Variant of Uncertain Significance. Algorithms developed to predict the effect of missense changes on protein structure and function do not agree on the potential impact of this missense change (SIFT: "Tolerated"; PolyPhen-2: "Probably Damaging"; Align-GVGD: "Class C0"). This variant has not been reported in the literature in individuals with ATM-related disease. This variant is not present in population databases (ExAC no frequency). This sequence change replaces glutamic acid with glycine at codon 1207 of the ATM protein (p.Glu1207Gly). The glutamic acid residue is moderately conserved and there is a moderate physicochemical difference between glutamic acid and glycine.